The following is an entry in ClinVar:

ClinVar aggregate classification (germline): Uncertain significance. Review status: criteria provided, multiple submitters, no conflicts (2 of 4 stars). 3 submissions from 3 submitters: Uncertain significance (3). Last evaluated 2022-08-21.

Conditions:
Werner syndrome (WRN). Identifiers: Orphanet 902, MedGen C0043119, MONDO:0010196, OMIM 277700.
Inborn genetic diseases. Identifiers: MedGen C0950123, MeSH D030342.

Allele frequency attached by ClinVar (database versions not stated): gnomAD exomes 0.00002.
gnomAD v4.1: 27 of 1,613,028 alleles (0.0017%); highest among the groups gnomAD compares: South Asian, 0.026%; no homozygotes.

Submissions (3):

Labcorp Genetics (formerly Invitae), Labcorp
Classification: Uncertain significance for Werner syndrome. Last evaluated: 2022-08-21. Review status: criteria provided, single submitter. Criteria: Invitae Variant Classification Sherloc (09022015). Collection method: clinical testing. Allele origin: germline.
Comment: This sequence change replaces methionine, which is neutral and non-polar, with threonine, which is neutral and polar, at codon 696 of the WRN protein (p.Met696Thr). This variant is present in population databases (no rsID available, gnomAD 0.01%). This variant has not been reported in the literature in individuals affected with WRN-related conditions. ClinVar contains an entry for this variant (Variation ID: 908231). Algorithms developed to predict the effect of missense changes on protein structure and function are either unavailable or do not agree on the potential impact of this missense change (SIFT: "Not Available"; PolyPhen-2: "Benign"; Align-GVGD: "Not Available"). In summary, the available evidence is currently insufficient to determine the role of this variant in disease. Therefore, it has been classified as a Variant of Uncertain Significance.

Ambry Genetics
Classification: Uncertain significance for Inborn genetic diseases. Last evaluated: 2022-01-07. Review status: criteria provided, single submitter. Criteria: Ambry Variant Classification Scheme 2023. Collection method: clinical testing. Allele origin: germline.

Illumina Laboratory Services, Illumina
Classification: Uncertain significance for Werner syndrome. Last evaluated: 2018-03-30. Review status: criteria provided, single submitter. Criteria: ICSL Variant Classification Criteria 13 December 2019. Collection method: clinical testing. Allele origin: germline.

NM_000553.6(WRN):c.2087T>C (p.Met696Thr)

Gene: WRN (WRN RecQ like helicase; plus strand). Cytogenetic location: 8p12.
Variant type: single nucleotide variant.
Coding change: c.2087T>C on transcript NM_000553.6 (MANE Select); coding-DNA position 2087, T replaced by C.
Protein change: p.Met696Thr; replaces methionine 696 with threonine.
Molecular consequence: missense variant.
Genome position (GRCh38, 1-based): chr8:31,100,954, T>C. VCF-style: chr8-31100954-T-C. GRCh37 (hg19) VCF-style: chr8-30958470-T-C.
Other names: short protein forms M696T.
Identifiers: ClinVar variation 908231 (VCV000908231.6), dbSNP rs1246267919, ClinGen allele CA370909050.